The following is an entry in ClinVar:

NM_003901.4(SGPL1):c.1233C>T (p.Phe411=)

Gene: SGPL1 (sphingosine-1-phosphate lyase 1; plus strand). Cytogenetic location: 10q22.1.
Variant type: single nucleotide variant.
Coding change: c.1233C>T on transcript NM_003901.4 (MANE Select); coding-DNA position 1233, C replaced by T.
Protein change: p.Phe411=; no amino-acid change (phenylalanine 411 retained).
Molecular consequence: synonymous variant.
Genome position (GRCh38, 1-based): chr10:70,873,524, C>T. VCF-style: chr10-70873524-C-T. GRCh37 (hg19) VCF-style: chr10-72633281-C-T.
Other names: c.1233C>T (NM_003901.3).
Identifiers: ClinVar variation 3022240 (VCV003022240.5), dbSNP rs201201720, ClinGen allele CA5541406.

ClinVar aggregate classification (germline): Likely benign. Review status: criteria provided, single submitter (1 of 4 stars). 2 submissions from 2 submitters: Likely benign (1). 1 of the submissions does not count toward it. Last evaluated 2025-10-09.

Conditions:
SGPL1-related disorder. Also called: SGPL1-related condition. Identifiers: MedGen CN380158.

Allele frequency attached by ClinVar (database versions not stated): TOPMed 0.00004; ExAC 0.00007; gnomAD 0.00004.
gnomAD v4.1: 50 of 1,614,122 alleles (0.0031%); highest among the groups gnomAD compares: South Asian, 0.023%; no homozygotes.

Submissions (2):

Labcorp Genetics (formerly Invitae), Labcorp
Classification: Likely benign. Last evaluated: 2025-10-09. Review status: criteria provided, single submitter. Criteria: Invitae Variant Classification Sherloc (09022015). Collection method: clinical testing. Allele origin: germline.

PreventionGenetics, part of Exact Sciences
Classification: Likely benign for SGPL1-related condition. Last evaluated: 2022-12-16. Review status: no assertion criteria provided. Collection method: clinical testing. Allele origin: germline. Not counted in ClinVar's aggregate classification.
Comment: This variant is classified as likely benign based on ACMG/AMP sequence variant interpretation guidelines (Richards et al. 2015 PMID: 25741868, with internal and published modifications).